The following is an entry in ClinVar:

NM_001367498.1(CNTNAP5):c.2078A>G (p.Asp693Gly)

Gene: CNTNAP5 (contactin associated protein family member 5; plus strand). Cytogenetic location: 2q14.3.
Variant type: single nucleotide variant.
Coding change: c.2078A>G on transcript NM_001367498.1 (MANE Select); coding-DNA position 2078, A replaced by G.
Protein change: p.Asp693Gly; replaces aspartic acid 693 with glycine.
Molecular consequence: missense variant.
Genome position (GRCh38, 1-based): chr2:124,747,229, A>G. VCF-style: chr2-124747229-A-G. GRCh37 (hg19) VCF-style: chr2-125504806-A-G.
Other names: NC_000002.11:g.125504806A>G; c.2075A>G, p.Asp692Gly (NM_130773.4); short protein forms D692G, D693G.
Identifiers: ClinVar variation 716759 (VCV000716759.7), dbSNP rs192880351, ClinGen allele CA1856101.

ClinVar aggregate classification (germline): Likely benign. Review status: criteria provided, multiple submitters, no conflicts (2 of 4 stars). 3 submissions from 3 submitters: Likely benign (2). 1 of the submissions does not count toward it. Last evaluated 2018-06-18.

Conditions:
CNTNAP5-related disorder. Also called: CNTNAP5-related condition.

Allele frequency attached by ClinVar (database versions not stated): ESP Exome Variant Server 0.00041; ExAC 0.00077; gnomAD 0.00079 and 0.00082; gnomAD exomes 0.00094; TOPMed 0.00115; 1000 Genomes Project 0.00120; 1000 Genomes Project 30x 0.00141.
gnomAD v4.1: 890 of 1,611,914 alleles (0.055%); highest among the groups gnomAD compares: Admixed American, 0.49%; 2 homozygotes.

Submissions (4):

Labcorp Genetics (formerly Invitae), Labcorp
Classification: Likely benign. Last evaluated: 2018-06-18. Review status: criteria provided, single submitter. Criteria: Invitae Variant Classification Sherloc (09022015). Collection method: clinical testing. Allele origin: germline.

Breakthrough Genomics
Classification: Likely benign. Review status: criteria provided, single submitter. Criteria: ACMG Guidelines, 2015. Collection method: not provided. Allele origin: germline. Inheritance: Unknown mechanism. Affected: yes.

PreventionGenetics, part of Exact Sciences
Classification: Likely benign for CNTNAP5-related condition. Last evaluated: 2020-08-18. Review status: no assertion criteria provided. Collection method: clinical testing. Allele origin: germline. Not counted in ClinVar's aggregate classification.
Comment: This variant is classified as likely benign based on ACMG/AMP sequence variant interpretation guidelines (Richards et al. 2015 PMID: 25741868, with internal and published modifications).

Dr. Peter K. Rogan Lab, Western University
No classification provided (evidence only). Condition: Gastric cancer. Review status: no classification provided. Collection method: in vitro. Allele origin: not applicable. Functional consequence: retained intron. Not counted in ClinVar's aggregate classification.